The following is an entry in ClinVar:

ClinVar aggregate classification (germline): Uncertain significance (1 of 4 stars; one submission).

gnomAD v4.1: 5 of 1,612,888 alleles (0.00031%); highest among the groups gnomAD compares: Admixed American, 0.0067%; no homozygotes.

Submission:

Labcorp Genetics (formerly Invitae), Labcorp
Classification: Uncertain significance. Last evaluated: 2022-05-22. Review status: criteria provided, single submitter. Criteria: Invitae Variant Classification Sherloc (09022015). Collection method: clinical testing. Allele origin: germline.
Comment: In summary, the available evidence is currently insufficient to determine the role of this variant in disease. Therefore, it has been classified as a Variant of Uncertain Significance. Algorithms developed to predict the effect of missense changes on protein structure and function are either unavailable or do not agree on the potential impact of this missense change (SIFT: "Deleterious"; PolyPhen-2: "Probably Damaging"; Align-GVGD: "Class C0"). This variant has not been reported in the literature in individuals affected with MRPL44-related conditions. This variant is present in population databases (rs772107545, gnomAD 0.009%). This sequence change replaces glutamic acid, which is acidic and polar, with valine, which is neutral and non-polar, at codon 44 of the MRPL44 protein (p.Glu44Val).

NM_022915.5(MRPL44):c.131A>T (p.Glu44Val)

Gene: MRPL44 (mitochondrial ribosomal protein L44; plus strand). Cytogenetic location: 2q36.1.
Variant type: single nucleotide variant.
Coding change: c.131A>T on transcript NM_022915.5 (MANE Select); coding-DNA position 131, A replaced by T.
Protein change: p.Glu44Val; replaces glutamic acid 44 with valine.
Molecular consequence: missense variant.
Genome position (GRCh38, 1-based): chr2:223,957,603, A>T. VCF-style: chr2-223957603-A-T. GRCh37 (hg19) VCF-style: chr2-224822320-A-T.
Other names: short protein forms E44V.
Identifiers: ClinVar variation 1940100 (VCV001940100.5), dbSNP rs772107545, ClinGen allele CA2138987.
Genomic context (GRCh38, chr2:223,957,603, plus strand): 5'-TGGTCCCTCCGGTTCGGGGAGTGAAGAAGGGATTCCGCGCCGCCTTCCGCTTCCAGAAGG[A>T]GTTAGAGCGGCAGCGCCTTCTGCGGTGCCCGCCGCCGCCCGTGCGCCGGTAGGAGCCACC-3'
Protein context (NP_075066.1, residues 34-54): GFRAAFRFQK[Glu44Val]LERQRLLRCP